The following is an entry in ClinVar:

NM_001379029.1(CERT1):c.-191C>T

Genes: POLK (DNA polymerase kappa; plus strand), CERT1 (ceramide transporter 1; minus strand). Cytogenetic location: 5q13.3.
Variant type: single nucleotide variant.
Coding change: c.-191C>T on transcript NM_001379029.1 (MANE Select); 191 bases upstream of the start codon, C replaced by T.
Molecular consequence: 5 prime UTR variant. On other transcripts: missense variant (1).
Genome position (GRCh38, 1-based): chr5:75,511,398, G>A on the plus strand (C>T on the coding strand, the complement: CERT1 is on the minus strand). VCF-style: chr5-75511398-G-A. GRCh37 (hg19) VCF-style: chr5-74807223-G-A.
Other names: c.194C>T, p.Pro65Leu (NM_001130105.1); c.-191C>T (NM_001379002.1, NM_001379003.1, NM_001379004.1 and 2 more transcripts); short protein forms P65L.
Identifiers: ClinVar variation 4085017 (VCV004085017.8).

ClinVar aggregate classification (germline): Uncertain significance (1 of 4 stars; one submission).

Submission:

CeGaT Center for Human Genetics Tuebingen
Classification: Uncertain significance. Last evaluated: 2025-07-01. Review status: criteria provided, single submitter. Criteria: CeGaT Center For Human Genetics Tuebingen Variant Classification Criteria Version 2. Collection method: clinical testing. Allele origin: germline. Affected: yes. Observed: 1 variant allele.
Comment: CERT1: PM2